The following is an entry in ClinVar:

NM_005461.5(MAFB):c.436C>A (p.Pro146Thr)

Gene: MAFB (MAF bZIP transcription factor B; minus strand). Cytogenetic location: 20q12.
Variant type: single nucleotide variant.
Coding change: c.436C>A on transcript NM_005461.5 (MANE Select); coding-DNA position 436, C replaced by A.
Protein change: p.Pro146Thr; replaces proline 146 with threonine.
Molecular consequence: missense variant.
Genome position (GRCh38, 1-based): chr20:40,688,415, G>T on the plus strand (C>A on the coding strand, the complement: MAFB is on the minus strand). VCF-style: chr20-40688415-G-T. GRCh37 (hg19) VCF-style: chr20-39317055-G-T.
Other names: short protein forms P146T.
Identifiers: ClinVar variation 3680489 (VCV003680489.2).

ClinVar aggregate classification (germline): Uncertain significance (1 of 4 stars; one submission).

Submission:

Labcorp Genetics (formerly Invitae), Labcorp
Classification: Uncertain significance. Last evaluated: 2024-04-03. Review status: criteria provided, single submitter. Criteria: Invitae Variant Classification Sherloc (09022015). Collection method: clinical testing. Allele origin: germline.
Comment: This sequence change replaces proline, which is neutral and non-polar, with threonine, which is neutral and polar, at codon 146 of the MAFB protein (p.Pro146Thr). This variant is not present in population databases (gnomAD no frequency). This variant has not been reported in the literature in individuals affected with MAFB-related conditions. Advanced modeling of protein sequence and biophysical properties (such as structural, functional, and spatial information, amino acid conservation, physicochemical variation, residue mobility, and thermodynamic stability) performed at Invitae indicates that this missense variant is not expected to disrupt MAFB protein function with a negative predictive value of 80%. In summary, the available evidence is currently insufficient to determine the role of this variant in disease. Therefore, it has been classified as a Variant of Uncertain Significance.